The following is an entry in ClinVar:

NM_001323289.2(CDKL5):c.1888A>C (p.Ser630Arg)

Gene: CDKL5 (cyclin dependent kinase like 5; plus strand). Cytogenetic location: Xp22.13.
Variant type: single nucleotide variant.
Coding change: c.1888A>C on transcript NM_001323289.2 (MANE Select); coding-DNA position 1888, A replaced by C.
Protein change: p.Ser630Arg; replaces serine 630 with arginine.
Molecular consequence: missense variant.
Genome position (GRCh38, 1-based): chrX:18,604,812, A>C. VCF-style: chrX-18604812-A-C. GRCh37 (hg19) VCF-style: chrX-18622932-A-C.
Other names: c.1888A>C, p.Ser630Arg (NM_001037343.2, NM_003159.3); short protein forms S630R.
Identifiers: ClinVar variation 1707940 (VCV001707940.5), dbSNP rs1926305758, ClinGen allele CA412363648.
Genomic context (GRCh38, chrX:18,604,812, plus strand): 5'-AGGCATTCTATGTATGTGACCCGTGACAAAGTGAGAGCCAAGGGCTTGGATGGAAGCTTG[A>C]GCATAGGGCAAGGGATGGCAGCTAGAGCCAACAGCCTGCAACTCTTGTCACCCCAGGTAC-3'
Protein context (NP_001310218.1, residues 620-640): VRAKGLDGSL[Ser630Arg]IGQGMAARAN

ClinVar aggregate classification (germline): Uncertain significance. Review status: criteria provided, multiple submitters, no conflicts (2 of 4 stars). 2 submissions from 2 submitters: Uncertain significance (2). Last evaluated 2023-04-09.

Conditions:
Angelman syndrome-like. Identifiers: MedGen CN128785.
Developmental and epileptic encephalopathy, 2 (DEE2). Also called: INFANTILE SPASM SYNDROME, X-LINKED 2; CDKL5 deficiency disorder. Identifiers: Orphanet 1934, Orphanet 3451, Orphanet 505652, MedGen C4750718, MONDO:0010396, OMIM 300672.

Allele frequency attached by ClinVar (database versions not stated): TOPMed below 0.00001; gnomAD 0.00001; gnomAD exomes 0.00001.
gnomAD v4.1: 8 of 1,209,541 alleles (0.00066%); highest among the groups gnomAD compares: Non-Finnish European, 0.00089%; no homozygotes.

Submissions (2):

Labcorp Genetics (formerly Invitae), Labcorp
Classification: Uncertain significance for Developmental and epileptic encephalopathy, 2; Angelman syndrome-like. Last evaluated: 2023-04-09. Review status: criteria provided, single submitter. Criteria: Invitae Variant Classification Sherloc (09022015). Collection method: clinical testing. Allele origin: germline.
Comment: This sequence change replaces serine, which is neutral and polar, with arginine, which is basic and polar, at codon 630 of the CDKL5 protein (p.Ser630Arg). In summary, the available evidence is currently insufficient to determine the role of this variant in disease. Therefore, it has been classified as a Variant of Uncertain Significance. Advanced modeling of protein sequence and biophysical properties (such as structural, functional, and spatial information, amino acid conservation, physicochemical variation, residue mobility, and thermodynamic stability) performed at Invitae indicates that this missense variant is not expected to disrupt CDKL5 protein function. ClinVar contains an entry for this variant (Variation ID: 1707940). This missense change has been observed in individual(s) with clinical features of CDKL5-related conditions (Invitae). This variant is not present in population databases (gnomAD no frequency).

GeneDx
Classification: Uncertain significance. Last evaluated: 2022-09-30. Review status: criteria provided, single submitter. Criteria: GeneDx Variant Classification Process June 2021. Collection method: clinical testing. Allele origin: germline. Affected: yes.
Comment: Not observed at significant frequency in large population cohorts (gnomAD); In silico analysis supports that this missense variant does not alter protein structure/function; Has not been previously published as pathogenic or benign to our knowledge